The following is an entry in ClinVar:

ClinVar aggregate classification (germline): Uncertain significance. Review status: criteria provided, multiple submitters, no conflicts (2 of 4 stars). 3 submissions from 3 submitters: Uncertain significance (3). Last evaluated 2026-01-11.

Conditions:
Hereditary cancer-predisposing syndrome. Also called: Tumor predisposition; Hereditary neoplastic syndrome; Neoplastic Syndromes, Hereditary; Hereditary Cancer Syndrome. Identifiers: Orphanet 140162, MedGen C0027672, MeSH D009386, MONDO:0015356.
Gastrointestinal stromal tumor. Also called: Gastrointestinal stroma tumor; Gastrointestinal stromal tumor, somatic. Identifiers: Orphanet 44890, MedGen C0238198, MeSH D046152, MONDO:0011719, OMIM 606764, HP:0100723.

Allele frequency attached by ClinVar (database versions not stated): gnomAD 0.00001; gnomAD exomes 0.00001; TOPMed 0.00001.
gnomAD v4.1: 21 of 1,612,184 alleles (0.0013%); highest among the groups gnomAD compares: Middle Eastern, 0.016%; no homozygotes.

Submissions (3):

Labcorp Genetics (formerly Invitae), Labcorp
Classification: Uncertain significance for Gastrointestinal stromal tumor. Last evaluated: 2026-01-11. Review status: criteria provided, single submitter. Criteria: Invitae Variant Classification Sherloc (09022015). Collection method: clinical testing. Allele origin: germline.
Comment: This sequence change replaces arginine, which is basic and polar, with tryptophan, which is neutral and slightly polar, at codon 597 of the PDGFRA protein (p.Arg597Trp). This variant is not present in population databases (gnomAD no frequency). This variant has not been reported in the literature in individuals affected with PDGFRA-related conditions. ClinVar contains an entry for this variant (Variation ID: 459022). An algorithm developed to predict the effect of missense changes on protein structure and function (PolyPhen-2) suggests that this variant is likely to be disruptive. In summary, the available evidence is currently insufficient to determine the role of this variant in disease. Therefore, it has been classified as a Variant of Uncertain Significance.

Ambry Genetics
Classification: Uncertain significance for Hereditary cancer-predisposing syndrome. Last evaluated: 2025-09-06. Review status: criteria provided, single submitter. Criteria: Ambry Variant Classification Scheme 2023. Collection method: clinical testing. Allele origin: germline.
Comment: The p.R597W variant (also known as c.1789C>T), located in coding exon 12 of the PDGFRA gene, results from a C to T substitution at nucleotide position 1789. The arginine at codon 597 is replaced by tryptophan, an amino acid with dissimilar properties. This amino acid position is highly conserved in available vertebrate species. In addition, this alteration is predicted to be deleterious by in silico analysis. Since supporting evidence is limited at this time, the clinical significance of this alteration remains unclear.

GeneDx
Classification: Uncertain significance. Last evaluated: 2022-02-17. Review status: criteria provided, single submitter. Criteria: GeneDx Variant Classification Process June 2021. Collection method: clinical testing. Allele origin: germline. Affected: yes.
Comment: Not observed at significant frequency in large population cohorts (gnomAD); In silico analysis supports that this missense variant has a deleterious effect on protein structure/function; Has not been previously published as pathogenic or benign to our knowledge

NM_006206.6(PDGFRA):c.1789C>T (p.Arg597Trp)

Gene: PDGFRA (platelet derived growth factor receptor alpha; plus strand). Cytogenetic location: 4q12.
Variant type: single nucleotide variant.
Coding change: c.1789C>T on transcript NM_006206.6 (MANE Select); coding-DNA position 1789, C replaced by T.
Protein change: p.Arg597Trp; replaces arginine 597 with tryptophan.
Molecular consequence: missense variant.
Genome position (GRCh38, 1-based): chr4:54,277,390, C>T. VCF-style: chr4-54277390-C-T. GRCh37 (hg19) VCF-style: chr4-55143557-C-T.
Other names: c.1789C>T, p.Arg597Trp (NM_001347827.2, NM_001347829.2); c.1864C>T, p.Arg622Trp (NM_001347828.2); c.1828C>T, p.Arg610Trp (NM_001347830.2); short protein forms R597W, R610W, R622W.
Identifiers: ClinVar variation 459022 (VCV000459022.16), dbSNP rs1349318035, ClinGen allele CA356893331.
Genomic context (GRCh38, chr4:54,277,390, plus strand): 5'-CAGAAAGCTGAGGAGGCGTCTGGAGTTTTTGGGTGTTAATGATTCTGCCTGCCCACAGGT[C>T]GGGTCTTGGGGTCTGGAGCGTTTGGGAAGGTGGTTGAAGGAACAGCCTATGGATTAAGCC-3'
Protein context (NP_006197.1, residues 587-607): EFPRDGLVLG[Arg597Trp]VLGSGAFGKV